The following is an entry in ClinVar:

ClinVar aggregate classification (germline): Uncertain significance. Review status: criteria provided, multiple submitters, no conflicts (2 of 4 stars). 2 submissions from 2 submitters: Uncertain significance (2). Last evaluated 2023-04-14.

Conditions:
Rhabdoid tumor predisposition syndrome 2 (RTPS2). Identifiers: Orphanet 231108, Orphanet 69077, MedGen C2750074, MONDO:0013224, OMIM 613325.
Hereditary cancer-predisposing syndrome. Also called: Neoplastic Syndromes, Hereditary; Hereditary Cancer Syndrome; Tumor predisposition; Hereditary neoplastic syndrome. Identifiers: Orphanet 140162, MedGen C0027672, MeSH D009386, MONDO:0015356.

Allele frequency attached by ClinVar (database versions not stated): gnomAD exomes below 0.00001; ExAC 0.00001.
gnomAD v4.1: 1 of 1,612,794 alleles (0.000062%); no homozygotes.

Submissions (2):

Ambry Genetics
Classification: Uncertain significance for Hereditary cancer-predisposing syndrome. Last evaluated: 2023-04-14. Review status: criteria provided, single submitter. Criteria: Ambry Variant Classification Scheme 2023. Collection method: clinical testing. Allele origin: germline.
Comment: The p.G1031S variant (also known as c.3091G>A), located in coding exon 21 of the SMARCA4 gene, results from a G to A substitution at nucleotide position 3091. The glycine at codon 1031 is replaced by serine, an amino acid with similar properties. This amino acid position is highly conserved in available vertebrate species. In addition, this alteration is predicted to be deleterious by in silico analysis. Missense and in-frame variants in SMARCA4 are known to cause neurodevelopmental disorders; however, such associations with rhabdoid tumor predisposition syndrome including small cell carcinoma of the ovary-hypercalcemic type (SCCOHT) are exceedingly rare (Kosho T et al. Am J Med Genet C Semin Med Genet. 2014 Sep;166C(3):262-75; Jelinic P et al. Nat Genet. 2014 May;46(5):424-6). Since supporting evidence is limited at this time, the clinical significance of this alteration remains unclear.

Labcorp Genetics (formerly Invitae), Labcorp
Classification: Uncertain significance for Rhabdoid tumor predisposition syndrome 2. Last evaluated: 2021-03-26. Review status: criteria provided, single submitter. Criteria: Invitae Variant Classification Sherloc (09022015). Collection method: clinical testing. Allele origin: germline.
Comment: In summary, the available evidence is currently insufficient to determine the role of this variant in disease. Therefore, it has been classified as a Variant of Uncertain Significance. Algorithms developed to predict the effect of missense changes on protein structure and function do not agree on the potential impact of this missense change (SIFT: "Deleterious"; PolyPhen-2: "Probably Damaging"; Align-GVGD: "Class C0"). This variant has not been reported in the literature in individuals with SMARCA4-related disease. The frequency data for this variant in the population databases is considered unreliable, as metrics indicate poor data quality at this position in the ExAC database. This sequence change replaces glycine with serine at codon 1031 of the SMARCA4 protein (p.Gly1031Ser). The glycine residue is highly conserved and there is a small physicochemical difference between glycine and serine.

NM_003072.5(SMARCA4):c.3091G>A (p.Gly1031Ser)

Gene: SMARCA4 (SWI/SNF related BAF chromatin remodeling complex subunit ATPase 4; plus strand). Cytogenetic location: 19p13.2.
Variant type: single nucleotide variant.
Coding change: c.3091G>A on transcript NM_003072.5 (MANE Select); coding-DNA position 3091, G replaced by A.
Protein change: p.Gly1031Ser; replaces glycine 1031 with serine.
Molecular consequence: missense variant. On other transcripts: non-coding transcript variant (1).
Genome position (GRCh38, 1-based): chr19:11,025,431, G>A. VCF-style: chr19-11025431-G-A. GRCh37 (hg19) VCF-style: chr19-11136107-G-A.
Other names: c.3091G>A, p.Gly1031Ser (NM_001128844.3, NM_001128845.2, NM_001128846.2 and 5 more transcripts); short protein forms G1031S.
Identifiers: ClinVar variation 978539 (VCV000978539.10), dbSNP rs749947536, ClinGen allele CA9204321.
Genomic context (GRCh38, chr19:11,025,431, plus strand): 5'-CCACCCCAGGAGGGCAAGACCCCATTTGGGTCCCTCTCATCTGCCTTCCAGGGCAAAGGC[G>A]GCACCAAGACCCTGATGAACACCATCATGCAGCTGCGGAAGATCTGCAACCACCCCTACA-3'
Protein context (NP_003063.2, residues 1021-1041): GSEKDKKGKG[Gly1031Ser]TKTLMNTIMQ